The following is an entry in ClinVar:

ClinVar aggregate classification (germline): Likely benign (1 of 4 stars; one submission).

gnomAD v4.1: 2 of 1,611,248 alleles (0.00012%); highest among the groups gnomAD compares: Non-Finnish European, 0.00017%; no homozygotes.

Submission:

CeGaT Center for Human Genetics Tuebingen
Classification: Likely benign. Last evaluated: 2023-04-01. Review status: criteria provided, single submitter. Criteria: CeGaT Center For Human Genetics Tuebingen Variant Classification Criteria Version 2. Collection method: clinical testing. Allele origin: germline. Affected: yes. Observed: 1 variant allele.
Comment: PYGL: PM2:Supporting, BP4, BP7

NM_002863.5(PYGL):c.354G>A (p.Leu118=)

Gene: PYGL (glycogen phosphorylase L; minus strand). Cytogenetic location: 14q22.1.
Variant type: single nucleotide variant.
Coding change: c.354G>A on transcript NM_002863.5 (MANE Select); coding-DNA position 354, G replaced by A.
Protein change: p.Leu118=; no amino-acid change (leucine 118 retained).
Molecular consequence: synonymous variant.
Genome position (GRCh38, 1-based): chr14:50,935,177, C>T on the plus strand (G>A on the coding strand, the complement: PYGL is on the minus strand). VCF-style: chr14-50935177-C-T. GRCh37 (hg19) VCF-style: chr14-51401895-C-T.
Other names: c.252G>A, p.Leu84= (NM_001163940.2).
Identifiers: ClinVar variation 2570879 (VCV002570879.27), dbSNP rs540020530, ClinGen allele CA486385488.